The following is an entry in ClinVar:

ClinVar aggregate classification (germline): Uncertain significance. Review status: criteria provided, multiple submitters, no conflicts (2 of 4 stars). 3 submissions from 3 submitters: Uncertain significance (3). Last evaluated 2026-04-03.

Conditions:
Hereditary nonpolyposis colorectal neoplasms. Identifiers: MedGen C0009405, MeSH D003123.
Hereditary cancer-predisposing syndrome. Also called: Hereditary neoplastic syndrome; Neoplastic Syndromes, Hereditary; Hereditary Cancer Syndrome; Tumor predisposition. Identifiers: Orphanet 140162, MedGen C0027672, MeSH D009386, MONDO:0015356.

Allele frequency attached by ClinVar (database versions not stated): gnomAD exomes below 0.00001.
gnomAD v4.1: 1 of 1,605,862 alleles (0.000062%); highest among the groups gnomAD compares: Non-Finnish European, 0.000085%; no homozygotes.

Submissions (3):

Dasa
Classification: Uncertain significance. Last evaluated: 2026-04-03. Review status: criteria provided, single submitter. Criteria: DASA Assertion Criteria. Collection method: clinical testing. Allele origin: germline.
Comment: NM_000179.3(MSH6):c.128C>T (p.Ser43Phe) is a missense variant that results in the substitution of serine with phenylalanine. This variant is rare in population databases. Computational prediction algorithms are consistent with a benign effect. The currently available literature and clinical evidence are not sufficient to establish a definitive association between this variant and the reported condition. Therefore, this variant is classified as a variant of uncertain significance.

Labcorp Genetics (formerly Invitae), Labcorp
Classification: Uncertain significance for Hereditary nonpolyposis colorectal neoplasms. Last evaluated: 2024-03-20. Review status: criteria provided, single submitter. Criteria: Invitae Variant Classification Sherloc (09022015). Collection method: clinical testing. Allele origin: germline.
Comment: This sequence change replaces serine, which is neutral and polar, with phenylalanine, which is neutral and non-polar, at codon 43 of the MSH6 protein (p.Ser43Phe). This variant is not present in population databases (gnomAD no frequency). This variant has not been reported in the literature in individuals affected with MSH6-related conditions. ClinVar contains an entry for this variant (Variation ID: 955381). Advanced modeling of protein sequence and biophysical properties (such as structural, functional, and spatial information, amino acid conservation, physicochemical variation, residue mobility, and thermodynamic stability) performed at Invitae indicates that this missense variant is not expected to disrupt MSH6 protein function with a negative predictive value of 95%. In summary, the available evidence is currently insufficient to determine the role of this variant in disease. Therefore, it has been classified as a Variant of Uncertain Significance.

Ambry Genetics
Classification: Uncertain significance for Hereditary cancer-predisposing syndrome. Last evaluated: 2023-08-31. Review status: criteria provided, single submitter. Criteria: Ambry Variant Classification Scheme 2023. Collection method: clinical testing. Allele origin: germline.
Comment: The p.S43F variant (also known as c.128C>T), located in coding exon 1 of the MSH6 gene, results from a C to T substitution at nucleotide position 128. The serine at codon 43 is replaced by phenylalanine, an amino acid with highly dissimilar properties. This amino acid position is not well conserved in available vertebrate species. In addition, this alteration is predicted to be tolerated by in silico analysis. Since supporting evidence is limited at this time, the clinical significance of this alteration remains unclear.

Literature cited by the submitters: PubMed 33864561 (cited by Ambry Genetics).

NM_000179.3(MSH6):c.128C>T (p.Ser43Phe)

Gene: MSH6 (mutS homolog 6; plus strand). Cytogenetic location: 2p16.3.
Variant type: single nucleotide variant.
Coding change: c.128C>T on transcript NM_000179.3 (MANE Select); coding-DNA position 128, C replaced by T.
Protein change: p.Ser43Phe; replaces serine 43 with phenylalanine.
Molecular consequence: missense variant. On other transcripts: 5 prime UTR variant (1).
Genome position (GRCh38, 1-based): chr2:47,783,361, C>T. VCF-style: chr2-47783361-C-T. GRCh37 (hg19) VCF-style: chr2-48010500-C-T.
Other names: c.128C>T, p.Ser43Phe (NM_001281492.2); c.-609C>T (NM_001281493.2); short protein forms S43F.
Identifiers: ClinVar variation 955381 (VCV000955381.15), dbSNP rs781203386, ClinGen allele CA346734886.